The following is an entry in ClinVar:

NM_001002295.2(GATA3):c.916C>T (p.Arg306Ter)

Gene: GATA3 (GATA binding protein 3; plus strand). Cytogenetic location: 10p14.
Variant type: single nucleotide variant.
Coding change: c.916C>T on transcript NM_001002295.2 (MANE Select); coding-DNA position 916, C replaced by T.
Protein change: p.Arg306Ter; replaces arginine 306 with a stop codon.
Molecular consequence: nonsense.
Genome position (GRCh38, 1-based): chr10:8,064,130, C>T. VCF-style: chr10-8064130-C-T. GRCh37 (hg19) VCF-style: chr10-8106093-C-T.
Other names: c.913C>T, p.Arg305Ter (NM_002051.3); short protein forms R305*, R306*.
Identifiers: ClinVar variation 1678812 (VCV001678812.12), dbSNP rs766098800, ClinGen allele CA375973862.
Genomic context (GRCh38, chr10:8,064,130, plus strand): 5'-AACGCCTGCGGGCTCTATCACAAAATGAACGGACAGAACCGGCCCCTCATTAAGCCCAAG[C>T]GAAGGCTGGTAAGTTCTCGGGAAGGGATGGATTCCATGCTGACCATTCTGGGTTTCTCAT-3'

ClinVar aggregate classification (germline): Pathogenic. Review status: criteria provided, multiple submitters, no conflicts (2 of 4 stars). 4 submissions from 4 submitters: Pathogenic (4). Last evaluated 2025-11-09.

Conditions:
Hypoparathyroidism, deafness, renal disease syndrome (HDRS). Also called: HYPOPARATHYROIDISM, SENSORINEURAL DEAFNESS, AND RENAL DYSPLASIA SYNDROME. Identifiers: Orphanet 2237, MedGen C1840333, MONDO:0007797, OMIM 146255.

Submissions (4):

Victorian Clinical Genetics Services, Murdoch Childrens Research Institute
Classification: Pathogenic for Hypoparathyroidism, deafness, renal disease syndrome. Last evaluated: 2025-11-09. Review status: criteria provided, single submitter. Criteria: ACMG Guidelines, 2015. Collection method: clinical testing. Allele origin: germline. Affected: yes.
Comment: This variant is classified as Pathogenic. Evidence in support of pathogenic classification: Variant is predicted to cause nonsense-mediated decay (NMD) and loss of protein (premature termination codon is located at least 54 nucleotides upstream of the final exon-exon junction); Variant is absent from gnomAD (v2, v3 and v4); This variant has moderate previous evidence of pathogenicity in unrelated individuals. This variant has been classified as pathogenic by clinical laboratories in ClinVar; Other NMD-predicted variant(s) comparable to the one identified in this case have very strong previous evidence for pathogenicity (DECIPHER). Additional information: This variant is heterozygous; This gene is associated with autosomal dominant disease; Loss of function is a known mechanism of disease in this gene and is associated with hypoparathyroidism, sensorineural deafness, and renal dysplasia (MIM#146255). In addition, dominant-negative has been proven for a single missense variant (PMID: 21120445); Variants in this gene are known to have variable expressivity. Both interfamilial and intrafamilial variability have been reported (OMIM); Inheritance information for this variant is not currently available in this individual.

GeneDx
Classification: Pathogenic. Last evaluated: 2025-02-25. Review status: criteria provided, single submitter. Criteria: GeneDx Variant Classification Process June 2021. Collection method: clinical testing. Allele origin: germline. Affected: yes.
Comment: Not observed at significant frequency in large population cohorts (gnomAD); Nonsense variant predicted to result in protein truncation or nonsense mediated decay in a gene for which loss of function is a known mechanism of disease; This variant is associated with the following publications: (PMID: 26138850)

Center for Precision Genome Editing and Genetic Technologies for Biomedicine, Pirogov Russian National Research Medical University
Classification: Pathogenic for Hypoparathyroidism, deafness, renal disease syndrome. Last evaluated: 2024-02-06. Review status: criteria provided, single submitter. Criteria: ACMG Guidelines, 2015. Collection method: clinical testing. Allele origin: unknown. Inheritance: Autosomal dominant inheritance. Affected: yes. Observed: 1 heterozygote.
Comment: GATA3(NM_001002295.2):c.916C>T p.(Arg306Ter) is nonsense variant leads to the formation of a premature stop codon, resulting in a reduced amount of protein product (PVS1). This variant has not been detected in control samples or in patients with hypoparathyroidism, sensorineural deafness, and renal dysplasia (OMIM: 146255), thus meeting the PM2 criterion. The BayesDel addAF and BayesDel noAF programs classify this variant as pathogenic, fulfilling the PP3 criterion.

Labcorp Genetics (formerly Invitae), Labcorp
Classification: Pathogenic. Last evaluated: 2023-12-31. Review status: criteria provided, single submitter. Criteria: Invitae Variant Classification Sherloc (09022015). Collection method: clinical testing. Allele origin: germline.
Comment: This sequence change creates a premature translational stop signal (p.Arg306*) in the GATA3 gene. It is expected to result in an absent or disrupted protein product. Loss-of-function variants in GATA3 are known to be pathogenic (PMID: 14985365, 21242646). This variant is not present in population databases (gnomAD no frequency). This variant has not been reported in the literature in individuals affected with GATA3-related conditions. ClinVar contains an entry for this variant (Variation ID: 1678812). For these reasons, this variant has been classified as Pathogenic.

Literature cited by the submitters: PubMed 21120445 (cited by Victorian Clinical Genetics Services, Murdoch Childrens Research Institute); PubMed 14985365 (cited by Labcorp Genetics (formerly Invitae), Labcorp); PubMed 21242646 (cited by Labcorp Genetics (formerly Invitae), Labcorp).